The following is an entry in ClinVar:

ClinVar aggregate classification (germline): Uncertain significance (1 of 4 stars; one submission).

Conditions:
Hereditary cancer-predisposing syndrome. Also called: Hereditary neoplastic syndrome; Neoplastic Syndromes, Hereditary; Hereditary Cancer Syndrome; Tumor predisposition. Identifiers: Orphanet 140162, MedGen C0027672, MeSH D009386, MONDO:0015356.

Submission:

Labcorp Genetics (formerly Invitae), Labcorp
Classification: Uncertain significance for Hereditary cancer-predisposing syndrome. Last evaluated: 2023-09-27. Review status: criteria provided, single submitter. Criteria: Invitae Variant Classification Sherloc (09022015). Collection method: clinical testing. Allele origin: germline.
Comment: This sequence change creates a premature translational stop signal (p.Asp1294Valfs*12) in the RAD50 gene. While this is not anticipated to result in nonsense mediated decay, it is expected to disrupt the last 19 amino acid(s) of the RAD50 protein. This variant is not present in population databases (gnomAD no frequency). This variant has not been reported in the literature in individuals affected with RAD50-related conditions. Experimental studies and prediction algorithms are not available or were not evaluated, and the functional significance of this variant is currently unknown. In summary, the available evidence is currently insufficient to determine the role of this variant in disease. Therefore, it has been classified as a Variant of Uncertain Significance.

NM_005732.4(RAD50):c.3880_3881insT (p.Asp1294fs)

Genes: TH2LCRR (T helper type 2 locus control region associated RNA; minus strand), RAD50 (RAD50 double strand break repair protein; plus strand). Cytogenetic location: 5q31.1.
Variant type: Insertion.
Coding change: c.3880_3881insT on transcript NM_005732.4 (MANE Select); coding-DNA positions 3880 to 3881, T inserted.
Protein change: p.Asp1294fs; shifts the reading frame from aspartic acid 1294.
Molecular consequence: frameshift variant.
Genome position: GRCh38 VCF-style: chr5-132642305-G-GT. GRCh37 (hg19) VCF-style: chr5-131977997-G-GT.
Other names: short protein forms D1294fs.
Identifiers: ClinVar variation 2763789 (VCV002763789.3), dbSNP rs2479440604, ClinGen allele CA2697546492.